The following is an entry in ClinVar:

ClinVar aggregate classification (germline): Conflicting classifications of pathogenicity. Review status: criteria provided, conflicting classifications (1 of 4 stars). 10 submissions from 10 submitters: Uncertain significance (9); Likely benign (1). Last evaluated 2025-12-08.

Conditions:
Hereditary cancer-predisposing syndrome. Also called: Tumor predisposition; Hereditary Cancer Syndrome; Neoplastic Syndromes, Hereditary; Hereditary neoplastic syndrome. Identifiers: Orphanet 140162, MedGen C0027672, MeSH D009386, MONDO:0015356.
Familial adenomatous polyposis 2. Also called: MYH-associated polyposis; FAP type 2; ADENOMAS, MULTIPLE COLORECTAL, AUTOSOMAL RECESSIVE; MUTYH Polyposis; MUTYH-associated polyposis; MUTYH-related attenuated familial adenomatous polyposis. Identifiers: Orphanet 220460, Orphanet 247798, MedGen C3272841, MONDO:0012041, OMIM 608456.

Allele frequency attached by ClinVar (database versions not stated): ExAC 0.00001; gnomAD exomes 0.00001; TOPMed 0.00001.

Submissions (10):

Labcorp Genetics (formerly Invitae), Labcorp
Classification: Uncertain significance for Familial adenomatous polyposis 2. Last evaluated: 2025-12-08. Review status: criteria provided, single submitter. Criteria: Invitae Variant Classification Sherloc (09022015). Collection method: clinical testing. Allele origin: germline.
Comment: This sequence change replaces serine, which is neutral and polar, with proline, which is neutral and non-polar, at codon 82 of the MUTYH protein (p.Ser82Pro). This variant is present in population databases (rs773198648, gnomAD 0.003%). This variant has not been reported in the literature in individuals affected with MUTYH-related conditions. ClinVar contains an entry for this variant (Variation ID: 231029). An algorithm developed to predict the effect of missense changes on protein structure and function (PolyPhen-2) suggests that this variant is likely to be tolerated. In summary, the available evidence is currently insufficient to determine the role of this variant in disease. Therefore, it has been classified as a Variant of Uncertain Significance.

Ambry Genetics
Classification: Likely benign for Hereditary cancer-predisposing syndrome. Last evaluated: 2025-09-09. Review status: criteria provided, single submitter. Criteria: Ambry Variant Classification Scheme 2023. Collection method: clinical testing. Allele origin: germline.

Women's Health and Genetics/Laboratory Corporation of America, LabCorp
Classification: Uncertain significance. Last evaluated: 2025-04-15. Review status: criteria provided, single submitter. Criteria: LabCorp Variant Classification Summary - May 2015. Collection method: clinical testing. Allele origin: germline.
Comment: Variant summary: MUTYH c.244T>C (p.Ser82Pro) results in a non-conservative amino acid change in the encoded protein sequence. Three of five in-silico tools predict a benign effect of the variant on protein function. The variant allele was found at a frequency of 1.2e-05 in 251464 control chromosomes (gnomAD). The available data on variant occurrences in the general population are insufficient to allow any conclusion about variant significance. c.244T>C has been observed in individuals affected with breast cancer (e.g., Fanale_2020). These reports do not provide unequivocal conclusions about association of the variant with MUTYH-Associated Polyposis. To our knowledge, no experimental evidence demonstrating an impact on protein function has been reported. The following publication has been ascertained in the context of this evaluation (PMID: 32854451). ClinVar contains an entry for this variant (Variation ID: 231029). Based on the evidence outlined above, the variant was classified as uncertain significance.

Center for Genomic Medicine, Rigshospitalet, Copenhagen University Hospital
Classification: Uncertain significance. Last evaluated: 2025-03-04. Review status: criteria provided, single submitter. Criteria: ACMG Guidelines, 2015. Collection method: clinical testing. Allele origin: germline.

Color Diagnostics, LLC DBA Color Health
Classification: Uncertain significance for Hereditary cancer-predisposing syndrome. Last evaluated: 2025-01-24. Review status: criteria provided, single submitter. Criteria: ACMG Guidelines, 2015. Collection method: clinical testing. Allele origin: germline.
Comment: This missense variant replaces serine with proline at codon 82 of the MUTYH protein. Computational prediction suggests that this variant may not impact protein structure and function. To our knowledge, functional studies have not been reported for this variant. This variant has not been reported in individuals affected with MUTYH-related disorders in the literature. This variant has been identified in 3/251464 chromosomes in the general population by the Genome Aggregation Database (gnomAD). The available evidence is insufficient to determine the role of this variant in disease conclusively. Therefore, this variant is classified as a Variant of Uncertain Significance.

Baylor Genetics
Classification: Uncertain significance for Familial adenomatous polyposis 2. Last evaluated: 2024-03-24. Review status: criteria provided, single submitter. Criteria: ACMG Guidelines, 2015. Collection method: clinical testing. Allele origin: unknown.

All of Us Research Program, National Institutes of Health
Classification: Uncertain significance for Familial adenomatous polyposis 2. Last evaluated: 2023-12-01. Review status: criteria provided, single submitter. Criteria: ACMG Guidelines, 2015. Collection method: clinical testing. Allele origin: germline. Inheritance: Autosomal recessive inheritance. Observed: 4 variant alleles, 4 heterozygotes.
Comment: This missense variant replaces serine with proline at codon 82 of the MUTYH protein. Computational prediction suggests that this variant may not impact protein structure and function (internally defined REVEL score threshold <= 0.5, PMID: 27666373). Splice site prediction tools suggest that this variant may not impact RNA splicing. To our knowledge, functional studies have not been performed for this variant. This variant has not been reported in individuals affected with hereditary cancer in the literature. This variant has been identified in 3/251464 chromosomes in the general population by the Genome Aggregation Database (gnomAD). The available evidence is insufficient to determine the role of this variant in disease conclusively. Therefore, this variant is classified as a Variant of Uncertain Significance.

This study involves interpretation of variants in research participants for the purpose of population health screening. Participant phenotype was not available at the time of variant classification. Additional details can be found in publication PMID: 35346344, PMCID: PMC8962531

Quest Diagnostics Nichols Institute San Juan Capistrano
Classification: Uncertain significance. Last evaluated: 2023-02-14. Review status: criteria provided, single submitter. Criteria: Quest Diagnostics criteria. Collection method: clinical testing. Allele origin: unknown.
Comment: The frequency of this variant in the general population, 0.000012 (3/251464 chromosomes), is uninformative in assessment of its pathogenicity. The variant has been reported in individuals with breast cancer (PMIDs: 32854451 (2020) and 33471991 (2021), see also LOVD (MUTYH)). Analysis of this variant using bioinformatics tools for the prediction of the effect of amino acid changes on protein structure and function yielded conflicting predictions that this variant is benign or damaging. Based on the available information, we are unable to determine the clinical significance of this variant.

Sema4
Classification: Uncertain significance for Hereditary cancer-predisposing syndrome. Last evaluated: 2022-03-19. Review status: criteria provided, single submitter. Criteria: Sema4 Curation Guidelines. Collection method: curation. Allele origin: germline.
Comment: The MUTYH c.244T>C (p.S82P) has been reported in in 1/60466 breast cancer cases and 0/53461 healthy controls by a large case-control study (PMID: 33471991). This variant was observed in 3/251464 chromosomes in the large and broad cohorts of the Genome Aggregation Database (PMID 32461654). The variant has been reported in ClinVar (Variation ID: 231029). Functional studies have not been performed, and in silico predictions of the variant's effect on protein function are inconclusive. The evidence is insufficient to meet ACMG/AMP criteria for classifying the variant as benign or pathogenic. Based on the current evidence available, this variant is interpreted as a variant of uncertain significance.

GeneDx
Classification: Uncertain significance. Last evaluated: 2019-04-24. Review status: criteria provided, single submitter. Criteria: GeneDx Variant Classification Process June 2021. Collection method: clinical testing. Allele origin: germline. Affected: yes.
Comment: Not observed at a significant frequency in large population cohorts (Lek et al., 2016); This variant is associated with the following publications: (PMID: 32854451)

Literature cited by the submitters: PubMed 32854451 (cited by 3 submitters); PubMed 33471991 (cited by Quest Diagnostics Nichols Institute San Juan Capistrano and Sema4).

NM_001048174.2(MUTYH):c.160T>C (p.Ser54Pro)

Gene: MUTYH (mutY DNA glycosylase; minus strand). Cytogenetic location: 1p34.1.
Variant type: single nucleotide variant.
Coding change: c.160T>C on transcript NM_001048174.2 (MANE Select); coding-DNA position 160, T replaced by C.
Protein change: p.Ser54Pro; replaces serine 54 with proline.
Molecular consequence: missense variant. On other transcripts: 5 prime UTR variant (1), non-coding transcript variant (2), intron variant (3).
Genome position (GRCh38, 1-based): chr1:45,333,517, A>G on the plus strand (T>C on the coding strand, the complement: MUTYH is on the minus strand). VCF-style: chr1-45333517-A-G. GRCh37 (hg19) VCF-style: chr1-45799189-A-G.
Other names: c.160T>C, p.Ser54Pro (NM_001048171.2, NM_001048173.2, NM_001293195.2); c.163T>C, p.Ser55Pro (NM_001048172.2); c.244T>C, p.Ser82Pro (NM_001128425.2); c.205T>C, p.Ser69Pro (NM_001293190.2); c.193T>C, p.Ser65Pro (NM_001293191.2); c.-112T>C (NM_001350650.2); c.235T>C, p.Ser79Pro (NM_012222.3); c.-92-20T>C (NM_001350651.2); and 1 more; short protein forms S82P, S79P, S54P, S55P, S65P, S69P.
Identifiers: ClinVar variation 231029 (VCV000231029.39), dbSNP rs773198648, ClinGen allele CA057146.